The following is an entry in ClinVar:

NM_000135.4(FANCA):c.3218G>C (p.Arg1073Thr)

Gene: FANCA (FA complementation group A; minus strand). Cytogenetic location: 16q24.3.
Variant type: single nucleotide variant.
Coding change: c.3218G>C on transcript NM_000135.4 (MANE Select); coding-DNA position 3218, G replaced by C.
Protein change: p.Arg1073Thr; replaces arginine 1073 with threonine.
Molecular consequence: missense variant.
Genome position (GRCh38, 1-based): chr16:89,749,751, C>G on the plus strand (G>C on the coding strand, the complement: FANCA is on the minus strand). VCF-style: chr16-89749751-C-G. GRCh37 (hg19) VCF-style: chr16-89816159-C-G.
Other names: c.3218G>C, p.Arg1073Thr (NM_001286167.3); short protein forms R1073T.
Identifiers: ClinVar variation 4254131 (VCV004254131.1).

ClinVar aggregate classification (germline): Uncertain significance (1 of 4 stars; one submission).

Conditions:
Inborn genetic diseases. Identifiers: MedGen C0950123, MeSH D030342.

gnomAD v4.1: 4 of 1,614,132 alleles (0.00025%); highest among the groups gnomAD compares: Non-Finnish European, 0.00034%; no homozygotes.

Submission:

Ambry Genetics
Classification: Uncertain significance for Inborn genetic diseases. Last evaluated: 2025-06-15. Review status: criteria provided, single submitter. Criteria: Ambry Variant Classification Scheme 2023. Collection method: clinical testing. Allele origin: germline.
Comment: The p.R1073T variant (also known as c.3218G>C), located in coding exon 32 of the FANCA gene, results from a G to C substitution at nucleotide position 3218. The arginine at codon 1073 is replaced by threonine, an amino acid with similar properties. This amino acid position is conserved. In addition, this alteration is predicted to be tolerated by in silico analysis. Based on the available evidence, the clinical significance of this variant remains unclear.